The following is an entry in ClinVar:

NM_016203.4(PRKAG2):c.131C>T (p.Ala44Val)

Gene: PRKAG2 (protein kinase AMP-activated non-catalytic subunit gamma 2; minus strand). Cytogenetic location: 7q36.1.
Variant type: single nucleotide variant.
Coding change: c.131C>T on transcript NM_016203.4 (MANE Select); coding-DNA position 131, C replaced by T.
Protein change: p.Ala44Val; replaces alanine 44 with valine.
Molecular consequence: missense variant. On other transcripts: 5 prime UTR variant (5), intron variant (1).
Genome position (GRCh38, 1-based): chr7:151,786,525, G>A on the plus strand (C>T on the coding strand, the complement: PRKAG2 is on the minus strand). VCF-style: chr7-151786525-G-A. GRCh37 (hg19) VCF-style: chr7-151483611-G-A.
Other names: p.A44V:GCC>GTC; c.-2C>T (NM_001040633.2, NM_001407024.1, NM_001407026.1 and 2 more transcripts); c.131C>T, p.Ala44Val (NM_001407021.1, NM_001407022.1, NM_001407023.1 and 2 more transcripts); c.148+27891C>T (NM_001407032.1); short protein forms A44V.
Identifiers: ClinVar variation 181483 (VCV000181483.18), dbSNP rs730880984, ClinGen allele CA013751.

ClinVar aggregate classification (germline): Uncertain significance. Review status: criteria provided, multiple submitters, no conflicts (2 of 4 stars). 6 submissions from 6 submitters: Uncertain significance (6). Last evaluated 2025-08-20.

Conditions:
Cardiovascular phenotype. Identifiers: MedGen CN230736.
Cardiomyopathy (CMYO). Also called: Cardiomyopathies. Identifiers: Orphanet 167848, MedGen C0878544, MONDO:0004994, HP:0001638. Inheritance: Various modes of inheritance.
Lethal congenital glycogen storage disease of heart. Also called: GLYCOGEN STORAGE DISEASE OF HEART; PHOSPHORYLASE KINASE DEFICIENCY OF HEART. Identifiers: Orphanet 439854, MedGen C1849813, MONDO:0009867, OMIM 261740.
Hypertrophic cardiomyopathy. Also called: HYPERTROPHIC MYOCARDIOPATHY. Identifiers: Orphanet 217569, MedGen C0007194, MeSH D002312, MONDO:0005045, HP:0001639.

Allele frequency attached by ClinVar (database versions not stated): ExAC 0.00001; gnomAD 0.00001; gnomAD exomes 0.00001; TOPMed 0.00002.
gnomAD v4.1: 21 of 1,612,792 alleles (0.0013%); highest among the groups gnomAD compares: Non-Finnish European, 0.0016%; no homozygotes.

Submissions (6):

Color Diagnostics, LLC DBA Color Health
Classification: Uncertain significance for Cardiomyopathy. Last evaluated: 2025-08-20. Review status: criteria provided, single submitter. Criteria: ACMG Guidelines, 2015. Collection method: clinical testing. Allele origin: germline.
Comment: This variant is located in the PRKAG2 protein. Computational prediction suggests that this variant may not impact protein structure and function. To our knowledge, functional studies have not been reported for this variant. This variant has been reported in an individual affected with hypertrophic cardiomyopathy (PMID: 32150461). This variant has been identified in 2/248148 chromosomes in the general population by the Genome Aggregation Database (gnomAD). The available evidence is insufficient to determine the role of this variant in disease conclusively. Therefore, this variant is classified as a Variant of Uncertain Significance.

Ambry Genetics
Classification: Uncertain significance for Cardiovascular phenotype. Last evaluated: 2025-01-21. Review status: criteria provided, single submitter. Criteria: Ambry Variant Classification Scheme 2023. Collection method: clinical testing. Allele origin: germline.
Comment: The p.A44V variant (also known as c.131C>T), located in coding exon 2 of the PRKAG2 gene, results from a C to T substitution at nucleotide position 131. The alanine at codon 44 is replaced by valine, an amino acid with similar properties. This variant was reported in individual(s) with features consistent with hypertrophic cardiomyopathy (Hoss S et al. Circ Genom Precis Med, 2020 Apr;13:e002748). This amino acid position is highly conserved in available vertebrate species. In addition, the in silico prediction for this alteration is inconclusive. Based on the available evidence, the clinical significance of this variant remains unclear.

Labcorp Genetics (formerly Invitae), Labcorp
Classification: Uncertain significance for Lethal congenital glycogen storage disease of heart. Last evaluated: 2024-12-30. Review status: criteria provided, single submitter. Criteria: Invitae Variant Classification Sherloc (09022015). Collection method: clinical testing. Allele origin: germline.
Comment: This sequence change replaces alanine, which is neutral and non-polar, with valine, which is neutral and non-polar, at codon 44 of the PRKAG2 protein (p.Ala44Val). This variant is present in population databases (rs730880984, gnomAD 0.002%). This missense change has been observed in individual(s) with clinical features of hypertrophic cardiomyopathy (PMID: 32150461). ClinVar contains an entry for this variant (Variation ID: 181483). Invitae Evidence Modeling of protein sequence and biophysical properties (such as structural, functional, and spatial information, amino acid conservation, physicochemical variation, residue mobility, and thermodynamic stability) indicates that this missense variant is not expected to disrupt PRKAG2 protein function with a negative predictive value of 95%. In summary, the available evidence is currently insufficient to determine the role of this variant in disease. Therefore, it has been classified as a Variant of Uncertain Significance.

All of Us Research Program, National Institutes of Health
Classification: Uncertain significance for Hypertrophic cardiomyopathy. Last evaluated: 2023-12-01. Review status: criteria provided, single submitter. Criteria: ACMG Guidelines, 2015. Collection method: clinical testing. Allele origin: germline. Inheritance: Autosomal dominant inheritance. Observed: 5 variant alleles, 5 heterozygotes.
Comment: Variant of Uncertain Significance due to insufficient evidence: This missense variant replaces alanine with valine at codon 44 of the PRKAG2 protein. Computational prediction tools and conservation analyses suggest that this variant may have deleterious impact on the protein function. Computational splicing tools suggest that this variant may not impact RNA splicing. To our knowledge, functional assays have not been performed for this variant nor has this variant been reported in individuals affected with cardiovascular disorders in the literature. This variant has been identified in 2/243024 chromosomes in the general population by the Genome Aggregation Database (gnomAD). Available evidence is insufficient to determine the pathogenicity of this variant conclusively.

This study involves interpretation of variants in research participants for the purpose of population health screening. Participant phenotype was not available at the time of variant classification. Additional details can be found in publication PMID: 35346344, PMCID: PMC8962531

CHEO Genetics Diagnostic Laboratory, Children's Hospital of Eastern Ontario
Classification: Uncertain significance for Cardiomyopathy. Last evaluated: 2017-08-15. Review status: criteria provided, single submitter. Criteria: ACMG Guidelines, 2015. Collection method: clinical testing. Allele origin: germline. Study: Canadian Open Genetics Repository.

GeneDx
Classification: Uncertain significance. Last evaluated: 2014-05-02. Review status: criteria provided, single submitter. Criteria: GeneDx Variant Classification (06012015). Collection method: clinical testing. Allele origin: germline. Affected: yes.
Comment: p.Ala44Val (GCC>GTC): c.131 C>T in exon 2 of the PRKAG2 gene (NM_016203.3) A variant of unknown significance has been identified in the PRKAG2 gene. The A44V variant has not been published as a mutation, nor has it been reported as a benign polymorphism to our knowledge. The A44V variant was not observed in approximately 6500 individuals of European and African American ancestry in the NHLBI Exome Sequencing Project, indicating it is not a common benign variant in these populations. The A44V variant is a conservative amino acid substitution, which is not likely to impact secondary protein structure as these residues share similar properties. This substitution occurs at a position that is conserved across species. In silico analysis predicts this variant is probably damaging to the protein structure/function. However, mutations in nearby residues have not been reported in association with cardiomyopathy, indicating this region of the protein may tolerate change. Therefore, based on the currently available information, it is unclear whether this variant is a pathogenic mutation or a rare benign variant. The variant is found in CARDIOMYOPATHY panel(s).

Literature cited by the submitters: PubMed 32150461 (cited by 3 submitters).